The following is an entry in ClinVar:

ClinVar aggregate classification (germline): Pathogenic. Review status: criteria provided, multiple submitters, no conflicts (2 of 4 stars). 5 submissions from 4 submitters: Pathogenic (2). 3 of the submissions do not count toward it. Last evaluated 2025-05-25.

Conditions:
RASopathy. Also called: rasopathies; Noonan spectrum disorder. Identifiers: Orphanet 536391, MedGen C5555857, MONDO:0021060.
Noonan syndrome-like disorder with juvenile myelomonocytic leukemia. Identifiers: MedGen C4016301.
Juvenile myelomonocytic leukemia (JMML). Also called: LEUKEMIA, JUVENILE MYELOMONOCYTIC, SOMATIC. Identifiers: Orphanet 86834, MedGen C0349639, MONDO:0011908, OMIM 607785, HP:0012209.

gnomAD v4.1: 2 of 1,602,602 alleles (0.00012%); highest among the groups gnomAD compares: Non-Finnish European, 0.00017%; no homozygotes.

Submissions (5):

Labcorp Genetics (formerly Invitae), Labcorp
Classification: Pathogenic for RASopathy. Last evaluated: 2025-05-25. Review status: criteria provided, single submitter. Criteria: Invitae Variant Classification Sherloc (09022015). Collection method: clinical testing. Allele origin: germline.
Comment: This sequence change replaces tyrosine, which is neutral and polar, with cysteine, which is neutral and slightly polar, at codon 371 of the CBL protein (p.Tyr371Cys). This variant is not present in population databases (gnomAD no frequency). This missense change has been observed in individual(s) with clinical features of Noonan-like syndrome or juvenile myelomonocytic leukemia (PMID: 25939664, 33337535). It has also been observed to segregate with disease in related individuals. ClinVar contains an entry for this variant (Variation ID: 29824). Invitae Evidence Modeling of protein sequence and biophysical properties (such as structural, functional, and spatial information, amino acid conservation, physicochemical variation, residue mobility, and thermodynamic stability) indicates that this missense variant is expected to disrupt CBL protein function with a positive predictive value of 95%. This variant disrupts the p.Tyr371 amino acid residue in CBL. Other variant(s) that disrupt this residue have been determined to be pathogenic (PMID: 20543203, 20694012, 23696637, 25283271, 25952305, 28414188). This suggests that this residue is clinically significant, and that variants that disrupt this residue are likely to be disease-causing. For these reasons, this variant has been classified as Pathogenic.

GeneDx
Classification: Pathogenic. Last evaluated: 2024-04-06. Review status: criteria provided, single submitter. Criteria: GeneDx Variant Classification Process June 2021. Collection method: clinical testing. Allele origin: germline. Affected: yes.
Comment: Not observed at significant frequency in large population cohorts (gnomAD); In silico analysis supports that this missense variant has a deleterious effect on protein structure/function; This variant is associated with the following publications: (PMID: 24803665, 19571318, 22315494, 20619386, 33337535, 25939664, 19620960, 20694012, 25952305)

OMIM
Classification: Pathogenic for JUVENILE MYELOMONOCYTIC LEUKEMIA (1 family). Last evaluated: 2015-07-01. Review status: no assertion criteria provided. Collection method: literature only. Allele origin: germline. Not counted in ClinVar's aggregate classification.

OMIM
Classification: Pathogenic for NOONAN SYNDROME-LIKE DISORDER WITH JUVENILE MYELOMONOCYTIC LEUKEMIA. Last evaluated: 2015-07-01. Review status: no assertion criteria provided. Collection method: literature only. Allele origin: germline. Not counted in ClinVar's aggregate classification.

AiLife Diagnostics
Classification: Uncertain significance. Last evaluated: 2022-02-16. Review status: flagged submission. Criteria: ACMG Guidelines, 2015. Collection method: clinical testing. Allele origin: germline. Affected: yes. Observed: 1 variant allele. Not counted in ClinVar's aggregate classification.
ClinVar note: Reason: Outlier claim with insufficient supporting evidence

Literature cited by the submitters: PubMed 25939664 (cited by 3 submitters); PubMed 33337535 (cited by Labcorp Genetics (formerly Invitae), Labcorp and AiLife Diagnostics); PubMed 20543203 (cited by Labcorp Genetics (formerly Invitae), Labcorp); PubMed 20694012 (cited by Labcorp Genetics (formerly Invitae), Labcorp and OMIM); PubMed 23696637 (cited by Labcorp Genetics (formerly Invitae), Labcorp); PubMed 25283271 (cited by Labcorp Genetics (formerly Invitae), Labcorp); PubMed 25952305 (cited by Labcorp Genetics (formerly Invitae), Labcorp); PubMed 28414188 (cited by Labcorp Genetics (formerly Invitae), Labcorp); PubMed 19571318 (cited by AiLife Diagnostics).

NM_005188.4(CBL):c.1112A>G (p.Tyr371Cys)

Gene: CBL (Cbl proto-oncogene; plus strand). Cytogenetic location: 11q23.3.
Variant type: single nucleotide variant.
Coding change: c.1112A>G on transcript NM_005188.4 (MANE Select); coding-DNA position 1112, A replaced by G.
Protein change: p.Tyr371Cys; replaces tyrosine 371 with cysteine.
Molecular consequence: missense variant.
Genome position (GRCh38, 1-based): chr11:119,278,182, A>G. VCF-style: chr11-119278182-A-G. GRCh37 (hg19) VCF-style: chr11-119148892-A-G.
Other names: c.1112A>G (NM_005188.2); short protein forms Y371C.
Identifiers: ClinVar variation 29824 (VCV000029824.7), dbSNP rs387906666, ClinGen allele CA128671.